The following is an entry in ClinVar:

NM_000342.4(SLC4A1):c.88C>T (p.Gln30Ter)

Gene: SLC4A1 (solute carrier family 4 member 1 (Diego blood group); minus strand). Cytogenetic location: 17q21.31.
Variant type: single nucleotide variant.
Coding change: c.88C>T on transcript NM_000342.4 (MANE Select); coding-DNA position 88, C replaced by T.
Protein change: p.Gln30Ter; replaces glutamine 30 with a stop codon.
Molecular consequence: nonsense.
Genome position (GRCh38, 1-based): chr17:44,262,654, G>A on the plus strand (C>T on the coding strand, the complement: SLC4A1 is on the minus strand). VCF-style: chr17-44262654-G-A. GRCh37 (hg19) VCF-style: chr17-42340022-G-A.
Other names: short protein forms Q30*.
Identifiers: ClinVar variation 3655310 (VCV003655310.2).

ClinVar aggregate classification (germline): Pathogenic (1 of 4 stars; one submission).

Submission:

Labcorp Genetics (formerly Invitae), Labcorp
Classification: Pathogenic. Last evaluated: 2024-08-05. Review status: criteria provided, single submitter. Criteria: Invitae Variant Classification Sherloc (09022015). Collection method: clinical testing. Allele origin: germline.
Comment: This sequence change creates a premature translational stop signal (p.Gln30*) in the SLC4A1 gene. It is expected to result in an absent or disrupted protein product. Loss-of-function variants in SLC4A1 are known to be pathogenic (PMID: 8943874, 10926824, 23255290). This variant is not present in population databases (gnomAD no frequency). This variant has not been reported in the literature in individuals affected with SLC4A1-related conditions. For these reasons, this variant has been classified as Pathogenic.

Literature cited by the submitters: PubMed 8943874; PubMed 10926824; PubMed 23255290.